The following is an entry in ClinVar:

NM_001034853.2(RPGR):c.935-2del

Gene: RPGR (retinitis pigmentosa GTPase regulator; minus strand). Cytogenetic location: Xp11.4.
Variant type: Deletion.
Coding change: c.935-2del on transcript NM_001034853.2 (MANE Select); the canonical splice acceptor site of the intron before coding-DNA position 935, one base deleted (A; older notation c.935-2delA).
Molecular consequence: splice acceptor variant.
Genome position (GRCh38, 1-based): chrX:38,301,373, T deleted on the plus strand (A on the coding strand, the reverse complement: RPGR is on the minus strand). VCF-style (leftmost placement, unchanged base first): chrX-38301372-CT-C. GRCh37 (hg19) VCF-style: chrX-38160625-CT-C.
Other names: c.932-2del (NM_001367249.1, NM_001367250.1, NM_001367245.1); c.935-2del (NM_001367251.1, NM_001367246.1, NM_001367247.1 and 1 more transcripts); c.965-2del (NM_001367248.1).
Identifiers: ClinVar variation 3775510 (VCV003775510.2).

ClinVar aggregate classification (germline): Pathogenic (1 of 4 stars; one submission).

Conditions:
RPGR-related disorder. Also called: RPGR-related condition.

Submission:

3billion
Classification: Pathogenic for RPGR-related disorder. Last evaluated: 2024-08-05. Review status: criteria provided, single submitter. Criteria: ACMG Guidelines, 2015. Collection method: clinical testing. Allele origin: germline. Affected: yes.
Comment: The variant is not observed in the gnomAD v4.0.0 dataset. Predicted Consequence/Location: Canonical splice site: predicted to alter splicing and result in a loss or disruption of normal protein function. Multiple pathogenic loss-of-function variants are reported downstream of the variant. In silico tools predict the variant to alter splicing and produce an abnormal transcript [SpliceAI: 0.99 (spliceogenicity >=0.2, non-spliceogenicity <0.1)]. The variant has been reported to be associated with RPGR related disorder (3billion dataset). Therefore, this variant is classified as Pathogenic according to the recommendation of ACMG/AMP guideline.